The following is an entry in ClinVar:

NM_000057.4(BLM):c.950A>G (p.Lys317Arg)

Gene: BLM (BLM RecQ like helicase; plus strand). Cytogenetic location: 15q26.1.
Variant type: single nucleotide variant.
Coding change: c.950A>G on transcript NM_000057.4 (MANE Select); coding-DNA position 950, A replaced by G.
Protein change: p.Lys317Arg; replaces lysine 317 with arginine.
Molecular consequence: missense variant. On other transcripts: 5 prime UTR variant (1).
Genome position (GRCh38, 1-based): chr15:90,751,937, A>G. VCF-style: chr15-90751937-A-G. GRCh37 (hg19) VCF-style: chr15-91295167-A-G.
Other names: c.950A>G, p.Lys317Arg (NM_001287246.2, NM_001287247.2); c.-342A>G (NM_001287248.2); short protein forms K317R.
Identifiers: ClinVar variation 3224959 (VCV003224959.3), dbSNP rs2505400593, ClinGen allele CA393841944.
Genomic context (GRCh38, chr15:90,751,937, plus strand): 5'-ATACGGATTTTGTTCCACCTTCTCCAGAAGAAATTATTTCTGCTTCTTCTTCCTCTTCAA[A>G]ATGCCTTAGGTAAACTAGCTAAATAATTAGCATTATTATTTGTTTCTGGGATACTTTAAA-3'
Protein context (NP_000048.1, residues 307-327): EIISASSSSS[Lys317Arg]CLSTLKDLDT

ClinVar aggregate classification (germline): Uncertain significance. Review status: criteria provided, multiple submitters, no conflicts (2 of 4 stars). 2 submissions from 2 submitters: Uncertain significance (2). Last evaluated 2025-01-19.

Conditions:
Hereditary cancer-predisposing syndrome. Also called: Neoplastic Syndromes, Hereditary; Tumor predisposition; Hereditary neoplastic syndrome; Hereditary Cancer Syndrome. Identifiers: Orphanet 140162, MedGen C0027672, MeSH D009386, MONDO:0015356.
Bloom syndrome (BLM). Also called: Bloom-Torre-Machacek syndrome. Identifiers: Orphanet 125, MedGen C0005859, MONDO:0008876, OMIM 210900.

Submissions (2):

Labcorp Genetics (formerly Invitae), Labcorp
Classification: Uncertain significance for Bloom syndrome. Last evaluated: 2025-01-19. Review status: criteria provided, single submitter. Criteria: Invitae Variant Classification Sherloc (09022015). Collection method: clinical testing. Allele origin: germline.
Comment: This sequence change replaces lysine, which is basic and polar, with arginine, which is basic and polar, at codon 317 of the BLM protein (p.Lys317Arg). This variant is not present in population databases (gnomAD no frequency). This variant has not been reported in the literature in individuals affected with BLM-related conditions. ClinVar contains an entry for this variant (Variation ID: 3224959). Invitae Evidence Modeling of protein sequence and biophysical properties (such as structural, functional, and spatial information, amino acid conservation, physicochemical variation, residue mobility, and thermodynamic stability) indicates that this missense variant is not expected to disrupt BLM protein function with a negative predictive value of 80%. In summary, the available evidence is currently insufficient to determine the role of this variant in disease. Therefore, it has been classified as a Variant of Uncertain Significance.

Ambry Genetics
Classification: Uncertain significance for Hereditary cancer-predisposing syndrome. Last evaluated: 2023-10-24. Review status: criteria provided, single submitter. Criteria: Ambry Variant Classification Scheme 2023. Collection method: clinical testing. Allele origin: germline.
Comment: The p.K317R variant (also known as c.950A>G), located in coding exon 3 of the BLM gene, results from an A to G substitution at nucleotide position 950. The lysine at codon 317 is replaced by arginine, an amino acid with highly similar properties. This amino acid position is well conserved in available vertebrate species. In addition, this alteration is predicted to be tolerated by in silico analysis. Since supporting evidence is limited at this time, the clinical significance of this alteration remains unclear.